The following is an entry in ClinVar:

ClinVar aggregate classification (germline): Benign. Review status: criteria provided, multiple submitters, no conflicts (2 of 4 stars). 4 submissions from 4 submitters: Benign (4). Last evaluated 2026-01-19.

Allele frequency attached by ClinVar (database versions not stated): gnomAD exomes 0.00268 and 0.00732; ExAC 0.00902; gnomAD 0.02798 and 0.03011; 1000 Genomes Project 0.03015; TOPMed 0.03179; 1000 Genomes Project 30x 0.03186; ESP Exome Variant Server 0.03252.
gnomAD v4.1: 8,288 of 1,614,066 alleles (0.51%); highest among the groups gnomAD compares: African/African-American, 10%; 397 homozygotes.

Submissions (4):

Labcorp Genetics (formerly Invitae), Labcorp
Classification: Benign. Last evaluated: 2026-01-19. Review status: criteria provided, single submitter. Criteria: Invitae Variant Classification Sherloc (09022015). Collection method: clinical testing. Allele origin: germline.

GeneDx
Classification: Benign. Last evaluated: 2017-10-05. Review status: criteria provided, single submitter. Criteria: GeneDx Variant Classification (06012015). Collection method: clinical testing. Allele origin: germline. Affected: yes.
Comment: This variant is considered likely benign or benign based on one or more of the following criteria: it is a conservative change, it occurs at a poorly conserved position in the protein, it is predicted to be benign by multiple in silico algorithms, and/or has population frequency not consistent with disease.

Laboratory for Molecular Medicine, Mass General Brigham Personalized Medicine
Classification: Benign. Last evaluated: 2012-05-07. Review status: criteria provided, single submitter. Criteria: LMM Criteria. Collection method: clinical testing. Allele origin: germline. Observed: 32 variant alleles.
Comment: "Tyr119Tyr in Exon 07 of MSRB3: This variant is not expected to have clinical si gnificance because it does not alter an amino acid residue, is not located withi n the splice consensus sequence, and has been identified in 9.4% (352/3738) of A frican American chromosomes from a broad population by the NHLBI Exome Sequencin g Project (dbSNP rs34513088)."

Breakthrough Genomics
Classification: Benign. Review status: criteria provided, single submitter. Criteria: ACMG Guidelines, 2015. Collection method: not provided. Allele origin: germline. Inheritance: Autosomal recessive inheritance. Affected: yes.

NM_001031679.3(MSRB3):c.357T>C (p.Tyr119=)

Gene: MSRB3 (methionine sulfoxide reductase B3; plus strand). Cytogenetic location: 12q14.3.
Variant type: single nucleotide variant.
Coding change: c.357T>C on transcript NM_001031679.3 (MANE Select); coding-DNA position 357, T replaced by C.
Protein change: p.Tyr119=; no amino-acid change (tyrosine 119 retained).
Molecular consequence: synonymous variant.
Genome position (GRCh38, 1-based): chr12:65,453,792, T>C. VCF-style: chr12-65453792-T-C. GRCh37 (hg19) VCF-style: chr12-65847572-T-C.
Other names: c.357T>C, p.Tyr119= (NM_001193460.2, NM_001193461.2); c.378T>C, p.Tyr126= (NM_198080.4).
Identifiers: ClinVar variation 44118 (VCV000044118.15), dbSNP rs34513088, ClinGen allele CA133615.